The following is an entry in ClinVar:

NM_020937.4(FANCM):c.4648A>C (p.Thr1550Pro)

Gene: FANCM (FA complementation group M; plus strand). Cytogenetic location: 14q21.2.
Variant type: single nucleotide variant.
Coding change: c.4648A>C on transcript NM_020937.4 (MANE Select); coding-DNA position 4648, A replaced by C.
Protein change: p.Thr1550Pro; replaces threonine 1550 with proline.
Molecular consequence: missense variant.
Genome position (GRCh38, 1-based): chr14:45,185,349, A>C. VCF-style: chr14-45185349-A-C. GRCh37 (hg19) VCF-style: chr14-45654552-A-C.
Other names: c.4570A>C, p.Thr1524Pro (NM_001308133.2); short protein forms T1524P, T1550P.
Identifiers: ClinVar variation 4254680 (VCV004254680.1).

ClinVar aggregate classification (germline): Uncertain significance (1 of 4 stars; one submission).

Conditions:
Inborn genetic diseases. Identifiers: MedGen C0950123, MeSH D030342.

Submission:

Ambry Genetics
Classification: Uncertain significance for Inborn genetic diseases. Last evaluated: 2025-08-19. Review status: criteria provided, single submitter. Criteria: Ambry Variant Classification Scheme 2023. Collection method: clinical testing. Allele origin: germline.
Comment: The p.T1550P variant (also known as c.4648A>C), located in coding exon 18 of the FANCM gene, results from an A to C substitution at nucleotide position 4648. The threonine at codon 1550 is replaced by proline, an amino acid with highly similar properties. This amino acid position is conserved. In addition, this alteration is predicted to be tolerated by in silico analysis. Based on the available evidence, the clinical significance of this variant remains unclear.